The following is an entry in ClinVar:

ClinVar aggregate classification (germline): Uncertain significance (1 of 4 stars; one submission).

Allele frequency attached by ClinVar (database versions not stated): gnomAD exomes below 0.00001.
gnomAD v4.1: 3 of 1,612,732 alleles (0.00019%); highest among the groups gnomAD compares: African/African-American, 0.0013%; no homozygotes.

Submission:

Labcorp Genetics (formerly Invitae), Labcorp
Classification: Uncertain significance. Last evaluated: 2022-02-01. Review status: criteria provided, single submitter. Criteria: Invitae Variant Classification Sherloc (09022015). Collection method: clinical testing. Allele origin: germline.
Comment: This sequence change replaces alanine, which is neutral and non-polar, with valine, which is neutral and non-polar, at codon 3567 of the ADGRV1 protein (p.Ala3567Val). This variant is not present in population databases (gnomAD no frequency). This variant has not been reported in the literature in individuals affected with ADGRV1-related conditions. Algorithms developed to predict the effect of missense changes on protein structure and function output the following: SIFT: "Tolerated"; PolyPhen-2: "Benign"; Align-GVGD: "Class C0". The valine amino acid residue is found in multiple mammalian species, which suggests that this missense change does not adversely affect protein function. In summary, the available evidence is currently insufficient to determine the role of this variant in disease. Therefore, it has been classified as a Variant of Uncertain Significance.

NM_032119.4(ADGRV1):c.10700C>T (p.Ala3567Val)

Gene: ADGRV1 (adhesion G protein-coupled receptor V1; plus strand). Cytogenetic location: 5q14.3.
Variant type: single nucleotide variant.
Coding change: c.10700C>T on transcript NM_032119.4 (MANE Select); coding-DNA position 10700, C replaced by T.
Protein change: p.Ala3567Val; replaces alanine 3567 with valine.
Molecular consequence: missense variant. On other transcripts: non-coding transcript variant (1).
Genome position (GRCh38, 1-based): chr5:90,745,196, C>T. VCF-style: chr5-90745196-C-T. GRCh37 (hg19) VCF-style: chr5-90041013-C-T.
Other names: short protein forms A3567V.
Identifiers: ClinVar variation 1492503 (VCV001492503.3), dbSNP rs1754472239, ClinGen allele CA360408327.